The following is an entry in ClinVar:

ClinVar aggregate classification (germline): Pathogenic (1 of 4 stars; one submission).

Submission:

GeneDx
Classification: Pathogenic. Last evaluated: 2023-10-11. Review status: criteria provided, single submitter. Criteria: GeneDx Variant Classification Process June 2021. Collection method: clinical testing. Allele origin: germline. Affected: yes.
Comment: Canonical splice site variant predicted to result in an in-frame loss of the adjacent exon in a gene for which loss of function is a known mechanism of disease; Not observed in large population cohorts (gnomAD); Has not been previously published as pathogenic or benign to our knowledge

NM_001349338.3(FOXP1):c.870-2A>G

Gene: FOXP1 (forkhead box P1; minus strand). Cytogenetic location: 3p13.
Variant type: single nucleotide variant.
Coding change: c.870-2A>G on transcript NM_001349338.3 (MANE Select); the canonical splice acceptor site of the intron before coding-DNA position 870, A replaced by G.
Molecular consequence: splice acceptor variant.
Genome position (GRCh38, 1-based): chr3:71,015,655, T>C on the plus strand (A>G on the coding strand, the complement: FOXP1 is on the minus strand). VCF-style: chr3-71015655-T-C. GRCh37 (hg19) VCF-style: chr3-71064806-T-C.
Other names: c.870-2A>G (NM_001244810.2, NM_032682.6, NM_001349340.3 and 3 more transcripts); c.867-2A>G (NM_001349341.3); c.642-2A>G (NM_001244812.3); c.567-2A>G (NM_001349343.3, NM_001349337.2, NM_001349344.3); c.570-2A>G (NM_001349342.3, NM_001370548.1, NM_001244815.2 and 1 more transcripts).
Identifiers: ClinVar variation 2663279 (VCV002663279.1), dbSNP rs2545543509, ClinGen allele CA353562467.